The following is an entry in ClinVar:

NM_001031725.6(DDX59):c.204G>T (p.Gln68His)

Gene: DDX59 (DEAD-box helicase 59; minus strand). Cytogenetic location: 1q32.1.
Variant type: single nucleotide variant.
Coding change: c.204G>T on transcript NM_001031725.6 (MANE Select); coding-DNA position 204, G replaced by T.
Protein change: p.Gln68His; replaces glutamine 68 with histidine.
Molecular consequence: missense variant.
Genome position (GRCh38, 1-based): chr1:200,666,537, C>A on the plus strand (G>T on the coding strand, the complement: DDX59 is on the minus strand). VCF-style: chr1-200666537-C-A. GRCh37 (hg19) VCF-style: chr1-200635665-C-A.
Other names: c.204G>T, p.Gln68His (NM_001320181.2, NM_001320182.1, NM_001349799.3 and 5 more transcripts); short protein forms Q68H.
Identifiers: ClinVar variation 4707974 (VCV004707974.1).

ClinVar aggregate classification (germline): Uncertain significance (1 of 4 stars; one submission).

gnomAD v4.1: 37 of 1,614,240 alleles (0.0023%); highest among the groups gnomAD compares: South Asian, 0.037%; no homozygotes.

Submission:

Labcorp Genetics (formerly Invitae), Labcorp
Classification: Uncertain significance. Last evaluated: 2025-08-04. Review status: criteria provided, single submitter. Criteria: Invitae Variant Classification Sherloc (09022015). Collection method: clinical testing. Allele origin: germline.
Comment: This sequence change replaces glutamine, which is neutral and polar, with histidine, which is basic and polar, at codon 68 of the DDX59 protein (p.Gln68His). This variant is present in population databases (rs539356316, gnomAD 0.03%). This variant has not been reported in the literature in individuals affected with DDX59-related conditions. An algorithm developed to predict the effect of missense changes on protein structure and function (PolyPhen-2) suggests that this variant is likely to be tolerated. In summary, the available evidence is currently insufficient to determine the role of this variant in disease. Therefore, it has been classified as a Variant of Uncertain Significance.